The following is an entry in ClinVar:

NM_152564.5(VPS13B):c.8793-12T>A

Gene: VPS13B (vacuolar protein sorting 13 homolog B; plus strand). Cytogenetic location: 8q22.2.
Variant type: single nucleotide variant.
Coding change: c.8793-12T>A on transcript NM_152564.5 (MANE Select); 12 bases into the intron before coding-DNA position 8793, T replaced by A.
Molecular consequence: intron variant.
Genome position (GRCh38, 1-based): chr8:99,819,909, T>A. VCF-style: chr8-99819909-T-A. GRCh37 (hg19) VCF-style: chr8-100832137-T-A.
Other names: c.8868-12T>A (NM_017890.5).
Identifiers: ClinVar variation 424235 (VCV000424235.16), dbSNP rs189516672, ClinGen allele CA4824565.

ClinVar aggregate classification (germline): Conflicting classifications of pathogenicity. Review status: criteria provided, conflicting classifications (1 of 4 stars). 3 submissions from 3 submitters: Uncertain significance (2); Likely benign (1). Last evaluated 2026-01-13.

Conditions:
Cohen syndrome (COH1). Also called: PEPPER SYNDROME; Cutis verticis gyrata, retinitis pigmentosa, and sensorineural deafness. Identifiers: Orphanet 193, MedGen C0265223, MONDO:0008999, OMIM 216550.

Allele frequency attached by ClinVar (database versions not stated): gnomAD exomes 0.00003; ExAC 0.00013; 1000 Genomes Project 30x 0.00016; ESP Exome Variant Server 0.00031; gnomAD 0.00038 and 0.00042; TOPMed 0.00043.
gnomAD v4.1: 113 of 1,612,968 alleles (0.007%); highest among the groups gnomAD compares: African/African-American, 0.13%; no homozygotes.

Submissions (4):

Labcorp Genetics (formerly Invitae), Labcorp
Classification: Likely benign for Cohen syndrome. Last evaluated: 2026-01-13. Review status: criteria provided, single submitter. Criteria: Invitae Variant Classification Sherloc (09022015). Collection method: clinical testing. Allele origin: germline.

GeneDx
Classification: Uncertain significance. Last evaluated: 2025-11-19. Review status: criteria provided, single submitter. Criteria: GeneDx Variant Classification Process June 2021. Collection method: clinical testing. Allele origin: germline. Affected: yes.
Comment: Has not been previously published as pathogenic or benign to our knowledge; In silico analysis is inconclusive as to whether the variant alters gene splicing. In the absence of RNA/functional studies, the actual effect of this sequence change is unknown.

Blueprint Genetics
Classification: Uncertain significance. Last evaluated: 2022-08-08. Review status: criteria provided, single submitter. Criteria: ACMG Guidelines, 2015. Collection method: clinical testing. Allele origin: germline.

Dr. Peter K. Rogan Lab, Western University
No classification provided (evidence only). Condition: Gastric cancer. Review status: no classification provided. Collection method: in vitro. Allele origin: not applicable. Functional consequence: retained intron. Not counted in ClinVar's aggregate classification.